The following is an entry in ClinVar:

ClinVar aggregate classification (germline): Uncertain significance (1 of 4 stars; one submission).

Conditions:
Hyperphosphatasia with intellectual disability syndrome 5 (GPIBD11). Also called: GLYCOSYLPHOSPHATIDYLINOSITOL BIOSYNTHESIS DEFECT 11. Identifiers: Orphanet 247262, MedGen C4014958, MONDO:0014457, OMIM 616025.

Submission:

Labcorp Genetics (formerly Invitae), Labcorp
Classification: Uncertain significance for Hyperphosphatasia with intellectual disability syndrome 5. Last evaluated: 2022-07-19. Review status: criteria provided, single submitter. Criteria: Invitae Variant Classification Sherloc (09022015). Collection method: clinical testing. Allele origin: germline.
Comment: In summary, the available evidence is currently insufficient to determine the role of this variant in disease. Therefore, it has been classified as a Variant of Uncertain Significance. This variant has not been reported in the literature in individuals affected with PIGW-related conditions. This variant is not present in population databases (gnomAD no frequency). This sequence change replaces threonine, which is neutral and polar, with isoleucine, which is neutral and non-polar, at codon 322 of the PIGW protein (p.Thr322Ile). Algorithms developed to predict the effect of missense changes on protein structure and function (SIFT, PolyPhen-2, Align-GVGD) all suggest that this variant is likely to be tolerated. ClinVar contains an entry for this variant (Variation ID: 1466029).

NM_001346754.2(PIGW):c.965C>T (p.Thr322Ile)

Genes: MYO19 (myosin XIX; minus strand), PIGW (phosphatidylinositol glycan anchor biosynthesis class W; plus strand). Cytogenetic location: 17q12.
Variant type: single nucleotide variant.
Coding change: c.965C>T on transcript NM_001346754.2 (MANE Select); coding-DNA position 965, C replaced by T.
Protein change: p.Thr322Ile; replaces threonine 322 with isoleucine.
Molecular consequence: missense variant.
Genome position (GRCh38, 1-based): chr17:36,538,066, C>T. VCF-style: chr17-36538066-C-T. GRCh37 (hg19) VCF-style: chr17-34893915-C-T.
Other names: c.965C>T, p.Thr322Ile (NM_001346755.2, NM_178517.5); short protein forms T322I.
Identifiers: ClinVar variation 1466029 (VCV001466029.8), dbSNP rs2074167451, ClinGen allele CA399163956.